The following is an entry in ClinVar:

ClinVar aggregate classification (germline): Uncertain significance. Review status: criteria provided, multiple submitters, no conflicts (2 of 4 stars). 2 submissions from 2 submitters: Uncertain significance (2). Last evaluated 2026-07-17.

Conditions:
Inborn genetic diseases. Identifiers: MedGen C0950123, MeSH D030342.
STRC-related disorder. Also called: STRC-related condition.

Allele frequency attached by ClinVar (database versions not stated): ExAC 0.00004; gnomAD 0.00005; TOPMed 0.00005; ESP Exome Variant Server 0.00008; gnomAD exomes 0.00008.
gnomAD v4.1: 125 of 1,613,616 alleles (0.0077%); highest among the groups gnomAD compares: Non-Finnish European, 0.01%; 2 homozygotes.

Submissions (2):

PreventionGenetics, part of Exact Sciences
Classification: Uncertain significance for STRC-related condition. Last evaluated: 2026-07-17. Review status: criteria provided, single submitter. Criteria: ACMG Guidelines, 2015. Collection method: clinical testing. Allele origin: germline.
Comment: The STRC c.4888G>C variant is predicted to result in the amino acid substitution p.Glu1630Gln. To our knowledge, this variant has not been reported in the literature. This variant is reported in 0.0070% of alleles in individuals of European (Non-Finnish) descent in gnomAD. At this time, the clinical significance of this variant is uncertain due to the absence of conclusive functional and genetic evidence.

Ambry Genetics
Classification: Uncertain significance for Inborn genetic diseases. Last evaluated: 2024-01-04. Review status: criteria provided, single submitter. Criteria: Ambry Variant Classification Scheme 2023. Collection method: clinical testing. Allele origin: germline.

NM_153700.2(STRC):c.4888G>C (p.Glu1630Gln)

Gene: STRC (stereocilin; minus strand). Cytogenetic location: 15q15.3.
Variant type: single nucleotide variant.
Coding change: c.4888G>C on transcript NM_153700.2 (MANE Select); coding-DNA position 4888, G replaced by C.
Protein change: p.Glu1630Gln; replaces glutamic acid 1630 with glutamine.
Molecular consequence: missense variant.
Genome position (GRCh38, 1-based): chr15:43,600,639, C>G on the plus strand (G>C on the coding strand, the complement: STRC is on the minus strand). VCF-style: chr15-43600639-C-G. GRCh37 (hg19) VCF-style: chr15-43892837-C-G.
Other names: short protein forms E1630Q.
Identifiers: ClinVar variation 3171612 (VCV003171612.2), dbSNP rs375284306, ClinGen allele CA7527846.
Genomic context (GRCh38, chr15:43,600,639, plus strand): 5'-TGATTGGGCCAAACCCACCAGGCAGTACAAGTAGGTGGGCCAGAACCTCCAGTTGTTCCT[C>G]AGAGCACTGGAGATGCAGGGTGCCGAGGAAGAGAGCTGCTTGGCTGTAGAACAGTAGGAA-3'
Protein context (NP_714544.1, residues 1620-1640): FLGTLHLQCS[Glu1630Gln]EQLEVLAHLL